The following is an entry in ClinVar:

NM_000218.3(KCNQ1):c.724G>A (p.Asp242Asn)

Gene: KCNQ1 (potassium voltage-gated channel subfamily Q member 1; plus strand). Cytogenetic location: 11p15.5.
Variant type: single nucleotide variant.
Coding change: c.724G>A on transcript NM_000218.3 (MANE Select); coding-DNA position 724, G replaced by A.
Protein change: p.Asp242Asn; replaces aspartic acid 242 with asparagine.
Molecular consequence: missense variant.
Genome position (GRCh38, 1-based): chr11:2,572,053, G>A. VCF-style: chr11-2572053-G-A. GRCh37 (hg19) VCF-style: chr11-2593283-G-A.
Other names: p.D242N:GAC>AAC; c.724G>A (LRG_287t1); c.724G>A, p.Asp242Asn (NM_001406836.1); c.454G>A, p.Asp152Asn (NM_001406837.1); c.343G>A, p.Asp115Asn (NM_181798.2); short protein forms D242N, D115N, D152N.
Identifiers: ClinVar variation 53090 (VCV000053090.19), dbSNP rs199472712, ClinGen allele CA007986.

ClinVar aggregate classification (germline): Pathogenic/Likely pathogenic. Review status: criteria provided, multiple submitters, no conflicts (2 of 4 stars). 9 submissions from 9 submitters: Pathogenic (4); Likely pathogenic (3). 2 of the submissions do not count toward it. Last evaluated 2026-01-16.

Conditions:
Cardiovascular phenotype. Identifiers: MedGen CN230736.
Familial long QT syndrome (RWS). Also called: Congenital long QT syndrome; Romano-Ward syndrome; VENTRICULAR FIBRILLATION WITH PROLONGED QT INTERVAL. Identifiers: Orphanet 768, MedGen C1141890, MONDO:0019171.
Long QT syndrome (LQTS). Identifiers: MedGen C0023976, MeSH D008133, MONDO:0002442. Disease mechanism: loss of function. Inheritance: Various modes of inheritance.
Wolff-Parkinson-White pattern. Also called: Auriculoventricular accessory pathway syndrome; False bundle branch block syndrome; Anomalous ventricular excitation syndrome; WPW SYNDROME. Identifiers: MedGen C0043202, MONDO:0008685, OMIM 194200, HP:0001716.
Long QT syndrome 1 (LQT1). Identifiers: Orphanet 101016, Orphanet 768, MedGen C4551647, MONDO:0100316, OMIM 192500, MONDO:0008646.

Allele frequency attached by ClinVar (database versions not stated): gnomAD exomes below 0.00001; ExAC 0.00001.
gnomAD v4.1: 1 of 1,612,778 alleles (0.000062%); highest among the groups gnomAD compares: South Asian, 0.0011%; no homozygotes.

Submissions (9):

Labcorp Genetics (formerly Invitae), Labcorp
Classification: Pathogenic for Long QT syndrome. Last evaluated: 2026-01-16. Review status: criteria provided, single submitter. Criteria: Invitae Variant Classification Sherloc (09022015). Collection method: clinical testing. Allele origin: germline.
Comment: This sequence change replaces aspartic acid, which is acidic and polar, with asparagine, which is neutral and polar, at codon 242 of the KCNQ1 protein (p.Asp242Asn). This variant is present in population databases (rs199472712, gnomAD 0.0009%). This missense change has been observed in individuals with long QT syndrome (PMID: 9799083, 17470695, 28739325). It has also been observed to segregate with disease in related individuals. ClinVar contains an entry for this variant (Variation ID: 53090). Invitae Evidence Modeling of protein sequence and biophysical properties (such as structural, functional, and spatial information, amino acid conservation, physicochemical variation, residue mobility, and thermodynamic stability) indicates that this missense variant is expected to disrupt KCNQ1 protein function with a positive predictive value of 95%. Experimental studies have shown that this missense change affects KCNQ1 function (PMID: 25705178, 28739325, 29167462). For these reasons, this variant has been classified as Pathogenic.

KardioGenetik, Herz- und Diabeteszentrum NRW
Classification: Likely pathogenic for Long QT syndrome 1. Last evaluated: 2024-09-24. Review status: criteria provided, single submitter. Criteria: ACMG Guidelines, 2015. Collection method: clinical testing. Allele origin: unknown. Observed: 1 variant allele.

Molecular Genetics Laboratory - Cardiogenetics, CHU de Nantes
Classification: Pathogenic for Long QT syndrome 1. Last evaluated: 2023-08-01. Review status: criteria provided, single submitter. Criteria: ACMG Guidelines, 2015. Collection method: clinical testing. Allele origin: germline. Affected: yes.

GeneDx
Classification: Pathogenic. Last evaluated: 2023-06-01. Review status: criteria provided, single submitter. Criteria: GeneDx Variant Classification Process June 2021. Collection method: clinical testing. Allele origin: germline. Affected: yes.
Comment: Not observed at significant frequency in large population cohorts (gnomAD); Published functional studies demonstrate that channels with the D242N variant have reduced current and slowed activation kinetics compared to the wild type channels (Mousavi Nik et al., 2015; Moreno et al., 2017); In silico analysis supports that this missense variant has a deleterious effect on protein structure/function; This variant is associated with the following publications: (PMID: 17470695, 29167462, 25525159, 27761162, 19490272, 19716085, 15840476, 19862833, 26370830, 27041096, 9799083, 22456477, 28739325, 10973849, 31737537, 34505893, 12388934, 23631430, 25705178)

Ambry Genetics
Classification: Pathogenic for Cardiovascular phenotype. Last evaluated: 2022-02-09. Review status: criteria provided, single submitter. Criteria: Ambry Variant Classification Scheme 2023. Collection method: clinical testing. Allele origin: germline.
Comment: The p.D242N pathogenic mutation (also known as c.724G>A), located in coding exon 5 of the KCNQ1 gene, results from a G to A substitution at nucleotide position 724. The aspartic acid at codon 242 is replaced by asparagine, an amino acid with highly similar properties. This mutation has been reported in several patients with long QT syndrome (LQTS), suspected LQTS, or in LQTS cohorts, and has been reported to segregate with disease in families; however, details were limited in some cases (Itoh T et al. Hum. Genet., 1998 Sep;103:290-4; Kapplinger JD et al. Heart Rhythm, 2009 Sep;6:1297-303; Lieve KV et al. Genet Test Mol Biomarkers, 2013 Jul;17:553-61; Tester DJ et al. Heart Rhythm, 2005 May;2:507-17; Moss AJ et al. Circulation, 2007 May;115:2481-9; Jons C et al. J. Cardiovasc. Electrophysiol., 2009 Aug;20:859-65; Izumi G et al. Pediatr Cardiol, 2016 Jun;37:962-70; Moreno C et al. J. Mol. Cell. Cardiol., 2017 09;110:61-69). In addition, in vitro assays indicate that this variant alters channel kinetics (Mousavi Nik A et al. Front Cell Neurosci, 2015 Feb;9:32; Moreno C et al. J. Mol. Cell. Cardiol., 2017 09;110:61-69). This amino acid position is located in the S4 transmembrane voltage sensor helix, and this alteration results in the loss of a negatively charged residue that is well conserved in available vertebrate species. This variant is considered to be rare based on population cohorts in the Genome Aggregation Database (gnomAD). Based on the supporting evidence, this alteration is interpreted as a disease-causing mutation.

Laboratory for Molecular Medicine, Mass General Brigham Personalized Medicine
Classification: Likely pathogenic for Familial long QT syndrome. Last evaluated: 2020-04-20. Review status: criteria provided, single submitter. Criteria: ACMG Guidelines, 2015. Collection method: clinical testing. Allele origin: germline. Inheritance: Autosomal dominant inheritance.
Comment: The p.Asp242Asn variant in KCNQ1 has been reported in at least 4 individuals with long QT syndrome (LQTS; Itoh 1998 PMID: 9799083, Moss 2007 PMID:17470695, Jons 2009 PMID: 19490272), and in at least 6 individuals with suspected LQTS (Tester 2005 PMID: 15840476, Kapplinger 2009 PMID: 19716085, Lieve 2013 PMID: 23631430). It is possible that there may be some overlap in the number of individuals from both groups. This variant has also been reported by other clinical laboratories in ClinVar (Variation ID 53090) and has been identified in 0.001% (1/112294 of European chromosomes by gnomAD. In vitro functional studies support an impact on protein function (Mousavi Nik 2015 PMID: 25705178, Moreno 2017 PMID: 28739325) and computational prediction tools and conservation are consistent with pathogenicity. In summary, although additional studies are required to fully establish its clinical significance, this variant meets criteria to be classified as likely pathogenic for autosomal dominant LQTS. ACMG/AMP Criteria applied: PM2, PS4_Moderate, PP3, PS3_Supporting.

Stanford Center for Inherited Cardiovascular Disease, Stanford University
Classification: Likely pathogenic. Last evaluated: 2014-01-20. Review status: criteria provided, single submitter. Criteria: ACMG Guidelines, 2015. Collection method: provider interpretation. Allele origin: germline.

Lupski Lab, Baylor-Hopkins CMG, Baylor College of Medicine
Classification: Likely pathogenic for Wolff-Parkinson-White pattern. Last evaluated: 2017-07-14. Review status: no assertion criteria provided. Collection method: research. Allele origin: inherited. Affected: yes. Observed: 1 variant allele. Study: Candidate_variants_in_patients_with_ Wolff-Parkinson-White Syndrome. Not counted in ClinVar's aggregate classification.

Cardiovascular Biomedical Research Unit, Royal Brompton & Harefield NHS Foundation Trust
No classification provided. Condition: Familial long QT syndrome. Review status: no classification provided. Collection method: literature only. Allele origin: germline. Not counted in ClinVar's aggregate classification.
Comment: This variant has been reported as associated with Long QT syndrome in the following publications (PMID:9799083;PMID:15840476;PMID:19716085;PMID:17470695). This is a literature report, and does not necessarily reflect the clinical interpretation of the Imperial College / Royal Brompton Cardiovascular Genetics laboratory.

Literature cited by the submitters: PubMed 9799083 (cited by 4 submitters); PubMed 17470695 (cited by 4 submitters); PubMed 28739325 (cited by 3 submitters); PubMed 25705178 (cited by 3 submitters); PubMed 29167462 (cited by Labcorp Genetics (formerly Invitae), Labcorp and Ambry Genetics); PubMed 12388934 (cited by Ambry Genetics); PubMed 15840476 (cited by 3 submitters); PubMed 19490272 (cited by Ambry Genetics and Laboratory for Molecular Medicine, Mass General Brigham Personalized Medicine); PubMed 19716085 (cited by 3 submitters); PubMed 23631430 (cited by Ambry Genetics and Laboratory for Molecular Medicine, Mass General Brigham Personalized Medicine); PubMed 27041096 (cited by Ambry Genetics); PubMed 31737537 (cited by Ambry Genetics); PubMed 22581653 (cited by Cardiovascular Biomedical Research Unit, Royal Brompton & Harefield NHS Foundation Trust).